The following is an entry in ClinVar:

NM_000257.4(MYH7):c.3134G>T (p.Arg1045Leu)

Gene: MYH7 (myosin heavy chain 7; minus strand). Cytogenetic location: 14q11.2.
Variant type: single nucleotide variant.
Coding change: c.3134G>T on transcript NM_000257.4 (MANE Select); coding-DNA position 3134, G replaced by T.
Protein change: p.Arg1045Leu; replaces arginine 1045 with leucine.
Molecular consequence: missense variant.
Genome position (GRCh38, 1-based): chr14:23,422,291, C>A on the plus strand (G>T on the coding strand, the complement: MYH7 is on the minus strand). VCF-style: chr14-23422291-C-A. GRCh37 (hg19) VCF-style: chr14-23891500-C-A.
Other names: NM_000257.4(MYH7):c.3134G>T; short protein forms R1045L.
Identifiers: ClinVar variation 42948 (VCV000042948.36), dbSNP rs397516178, ClinGen allele CA013375.

ClinVar aggregate classification (germline): Likely pathogenic. Review status: reviewed by expert panel (3 of 4 stars). 9 submissions from 9 submitters: Likely pathogenic (1). 8 of the submissions do not count toward it. Last evaluated 2021-08-25.

Conditions:
Cardiovascular phenotype. Identifiers: MedGen CN230736.
Hypertrophic cardiomyopathy 1 (CMH1). Also called: MYH7-Related Familial Hypertrophic Cardiomyopathy; Familial hypertrophic cardiomyopathy 1. Identifiers: MedGen C3495498, MONDO:0008647, OMIM 192600.
Myosin storage myopathy (CMYO7A). Also called: SCAPULOPERONEAL MUSCULAR DYSTROPHY; SCAPULOPERONEAL SYNDROME, MYOPATHIC TYPE; MYH7-related late-onset scapuloperoneal muscular dystrophy; Congenital myopathy 7A, myosin storage, autosomal dominant; MYOPATHY WITH LYSIS OF TYPE I MYOFIBRILS; Scapuloperoneal myopathy, MYH7-related. Identifiers: Orphanet 437572, Orphanet 636965, MedGen C1842160, MONDO:0008409, OMIM 608358.
Congenital myopathy with fiber type disproportion. Also called: Congenital fiber-type disproportion myopathy; Congenital fiber-type disproportion. Identifiers: Orphanet 2020, MedGen C0546264, MONDO:0009711. Inheritance: all.
Myopathy, myosin storage, autosomal recessive (CMYO7B). Also called: CONGENITAL MYOPATHY 7B, MYOSIN STORAGE, AUTOSOMAL RECESSIVE. Identifiers: Orphanet 636970, MedGen C1850709, MONDO:0009708, OMIM 255160.
MYH7-related skeletal myopathy. Also called: Laing distal myopathy; Myopathy, distal, 1; MYOPATHY, DISTAL, EARLY-ONSET, AUTOSOMAL DOMINANT; MYOPATHY, LATE DISTAL HEREDITARY; Laing early-onset distal myopathy. Identifiers: Orphanet 59135, MedGen C4552004, MONDO:0008050, OMIM 160500.
Dilated cardiomyopathy 1S (CMD1S). Identifiers: Orphanet 154, Orphanet 54260, MedGen C1834481, MONDO:0013262, OMIM 613426.
Cardiomyopathy (CMYO). Also called: Cardiomyopathies. Identifiers: Orphanet 167848, MedGen C0878544, MONDO:0004994, HP:0001638. Inheritance: Various modes of inheritance.
Hypertrophic cardiomyopathy. Also called: HYPERTROPHIC MYOCARDIOPATHY. Identifiers: Orphanet 217569, MedGen C0007194, MeSH D002312, MONDO:0005045, HP:0001639.

Allele frequency attached by ClinVar (database versions not stated): TOPMed 0.00001.
gnomAD v4.1: 24 of 1,614,052 alleles (0.0015%); highest among the groups gnomAD compares: Non-Finnish European, 0.0017%; no homozygotes.

Submissions 1 to 5 of 9:

ClinGen Cardiomyopathy Variant Curation Expert Panel
Classification: Likely pathogenic for Hypertrophic cardiomyopathy. Last evaluated: 2021-08-25. Review status: reviewed by expert panel. Criteria: ClinGen CMP ACMG Specifications v1. Collection method: curation. Allele origin: germline. Inheritance: Autosomal dominant inheritance.
Comment: The c.3134G>T (p.Arg1045Leu) variant in MYH7 has been reported in at least 15 individuals with HCM (PS4_Moderate; Cann 2017 PMID:27000522; Sheikh 2018 PMID:29764897, Walsh 2017 PMID:27532257; GeneDx pers. comm., Invitae pers. comm., LMM pers. comm., OMGL pers. comm.), 4 of whom also had additional variants in other HCM-associated genes (GeneDx pers. comm., Invitae pers. comm., LMM pers. comm.). Because of the additional variants observed in multiple cases, PS4 was downgraded to Moderate. This variant also segregated with HCM in 6 affected relatives from 3 families (PP1_Moderate; Cann 2017 PMID:27000522; GeneDx pers. comm., LMM pers. comm., OMGL pers. comm.). This variant has also been identified in 0.001% (FAF 95% CI, 4/113744) of European chromosomes in gnomAD v2.1.1. Computational prediction tools and conservation analysis suggest that this variant may impact the protein (PP3). In summary, this variant meets criteria to be classified as likely pathogenic for hypertrophic cardiomyopathy in an autosomal dominant manner. MYH7-specific ACMG/AMP criteria applied (Kelly 2018 PMID:29300372): PS4_Moderate; PP1_Moderate; PM2; PP3.

Labcorp Genetics (formerly Invitae), Labcorp
Classification: Pathogenic for Hypertrophic cardiomyopathy. Last evaluated: 2025-12-24. Review status: criteria provided, single submitter. Criteria: Invitae Variant Classification Sherloc (09022015). Collection method: clinical testing. Allele origin: germline. Not counted in ClinVar's aggregate classification.
Comment: This sequence change replaces arginine, which is basic and polar, with leucine, which is neutral and non-polar, at codon 1045 of the MYH7 protein (p.Arg1045Leu). This variant is present in population databases (rs397516178, gnomAD 0.004%). This missense change has been observed in individuals with hypertrophic cardiomyopathy and dilated cardiomyopathy (PMID: 27532257). ClinVar contains an entry for this variant (Variation ID: 42948). Invitae Evidence Modeling of protein sequence and biophysical properties (such as structural, functional, and spatial information, amino acid conservation, physicochemical variation, residue mobility, and thermodynamic stability) indicates that this missense variant is expected to disrupt MYH7 protein function with a positive predictive value of 95%. This variant disrupts the p.Arg1045 amino acid residue in MYH7. Other variant(s) that disrupt this residue have been determined to be pathogenic (PMID: 18533079, 20215591, 24793961, 26914223, 27247418, 27532257). This suggests that this residue is clinically significant, and that variants that disrupt this residue are likely to be disease-causing. For these reasons, this variant has been classified as Pathogenic.

GeneDx
Classification: Likely pathogenic. Last evaluated: 2025-06-30. Review status: criteria provided, single submitter. Criteria: GeneDx Variant Classification Process June 2021. Collection method: clinical testing. Allele origin: germline. Affected: yes. Not counted in ClinVar's aggregate classification.
Comment: Reported in patients with HCM in published literature (PMID: 34503678, 27000522, 25611685, 27532257); Identified in patient with DCM and LVNC requiring heart transplant who harbored a second variant in MYH7 (PMID: 35732239); Not observed at significant frequency in large population cohorts (gnomAD); In silico analysis supports that this missense variant has a deleterious effect on protein structure/function; This variant is associated with the following publications: (PMID: 25611685, 27532257, 27247418, 34503678, 27000522, 1976477, 31447099, 34636345, 35653365, 26914223, 37652022, 34542152, 29764897, 19659763, 33495596, 33495597, 35732239)

Ambry Genetics
Classification: Pathogenic for Cardiovascular phenotype. Last evaluated: 2025-02-14. Review status: criteria provided, single submitter. Criteria: Ambry Variant Classification Scheme 2023. Collection method: clinical testing. Allele origin: germline. Not counted in ClinVar's aggregate classification.
Comment: The p.R1045L pathogenic mutation (also known as c.3134G>T), located in coding exon 23 of the MYH7 gene, results from a G to T substitution at nucleotide position 3134. The arginine at codon 1045 is replaced by leucine, an amino acid with dissimilar properties. This variant was reported in numerous hypertrophic cardiomyopathy cohorts and has been reported to segregate with disease in several families (Alfares AA et al. Genet. Med., 2015 Nov;17:880-8; Walsh R et al. Genet. Med., 2017 02;19:192-203; Sheikh N et al. Circulation, 2018 Sep;138:1184-1194; personal communication). This amino acid position is highly conserved in available vertebrate species. In addition, this alteration is predicted to be deleterious by in silico analysis. Based on the supporting evidence, this variant is interpreted as a disease-causing mutation.

Color Diagnostics, LLC DBA Color Health
Classification: Likely pathogenic for Cardiomyopathy. Last evaluated: 2024-11-13. Review status: criteria provided, single submitter. Criteria: ACMG Guidelines, 2015. Collection method: clinical testing. Allele origin: germline. Not counted in ClinVar's aggregate classification.
Comment: This missense variant replaces arginine with leucine at codon 1045 in the neck and hinge domain of the MYH7 protein. Computational prediction tools indicate that this variant has a deleterious impact on protein structure and function. To our knowledge, functional studies have not been reported for this variant. This variant has been reported in over 10 individuals affected with hypertrophic cardiomyopathy (PMID: 27000522, 27532257, 29764897, 33495596, 33495597; ClinVar SCV001976477.1). Several of these individuals also carried variants in other genes associated with hypertrophic cardiomyopathy (ClinVar SCV001976477.1). It has been shown that this variant segregates with disease in 6 affected individuals across 3 families (ClinVar SCV001976477.1). This variant has also been reported in one individual affected with dilated cardiomyopathy (PMID: 35732239). This variant has been identified in 4/251460 chromosomes in the general population by the Genome Aggregation Database (gnomAD). A different variant affecting the same codon, p.Arg1045Cys, is considered to be disease-causing (ClinVar variation ID: 177753), suggesting that arginine at this position is important for MYH7 protein function. Based on the available evidence, this variant is classified as Likely Pathogenic.